The following is an entry in ClinVar:

ClinVar aggregate classification (germline): Benign. Review status: criteria provided, multiple submitters, no conflicts (2 of 4 stars). 2 submissions from 2 submitters: Benign (2). Last evaluated 2018-06-19.

Allele frequency attached by ClinVar (database versions not stated): gnomAD exomes 0.06588; 1000 Genomes Project 0.06889; ExAC 0.06921; 1000 Genomes Project 30x 0.07324; gnomAD 0.08882 and 0.09252; TOPMed 0.09064; ESP Exome Variant Server 0.09942.
gnomAD v4.1: 114,318 of 1,612,308 alleles (7.1%); highest among the groups gnomAD compares: African/African-American, 15%; 4,523 homozygotes.

Submissions (2):

GeneDx
Classification: Benign. Last evaluated: 2018-06-19. Review status: criteria provided, single submitter. Criteria: GeneDx Variant Classification (06012015). Collection method: clinical testing. Allele origin: germline. Affected: yes.
Comment: This variant is considered likely benign or benign based on one or more of the following criteria: it is a conservative change, it occurs at a poorly conserved position in the protein, it is predicted to be benign by multiple in silico algorithms, and/or has population frequency not consistent with disease.

Breakthrough Genomics
Classification: Benign. Review status: criteria provided, single submitter. Criteria: ACMG Guidelines, 2015. Collection method: not provided. Allele origin: germline. Inheritance: Autosomal recessive inheritance. Affected: yes.

NM_203447.4(DOCK8):c.5961+29C>T

Gene: DOCK8 (dedicator of cytokinesis 8; plus strand). Cytogenetic location: 9p24.3.
Variant type: single nucleotide variant.
Coding change: c.5961+29C>T on transcript NM_203447.4 (MANE Select); 29 bases into the intron after coding-DNA position 5961, C replaced by T.
Molecular consequence: intron variant.
Genome position (GRCh38, 1-based): chr9:449,956, C>T. VCF-style: chr9-449956-C-T. GRCh37 (hg19) VCF-style: chr9-449956-C-T.
Other names: c.5757+29C>T (NM_001193536.2); c.5661+29C>T (NM_001190458.2).
Identifiers: ClinVar variation 673292 (VCV000673292.2), dbSNP rs12351520, ClinGen allele CA4959583.